The following is an entry in ClinVar:

ClinVar aggregate classification (germline): Uncertain significance (1 of 4 stars; one submission).

Submission:

Ambry Genetics
Classification: Uncertain significance. Last evaluated: 2024-09-21. Review status: criteria provided, single submitter. Criteria: Ambry Variant Classification Scheme 2023. Collection method: clinical testing. Allele origin: germline.
Comment: The p.K381E variant (also known as c.1141A>G), located in coding exon 9 of the FAM175A gene, results from an A to G substitution at nucleotide position 1141. The lysine at codon 381 is replaced by glutamic acid, an amino acid with similar properties. This amino acid position is conserved. In addition, this alteration is predicted to be tolerated by in silico analysis. Based on the available evidence, the clinical significance of this variant remains unclear.

NM_139076.3(ABRAXAS1):c.1141A>G (p.Lys381Glu)

Gene: ABRAXAS1 (abraxas 1, BRCA1 A complex subunit; minus strand). Cytogenetic location: 4q21.23.
Variant type: single nucleotide variant.
Coding change: c.1141A>G on transcript NM_139076.3 (MANE Select); coding-DNA position 1141, A replaced by G.
Protein change: p.Lys381Glu; replaces lysine 381 with glutamic acid.
Molecular consequence: missense variant.
Genome position (GRCh38, 1-based): chr4:83,462,558, T>C on the plus strand (A>G on the coding strand, the complement: ABRAXAS1 is on the minus strand). VCF-style: chr4-83462558-T-C. GRCh37 (hg19) VCF-style: chr4-84383711-T-C.
Other names: c.814A>G, p.Lys272Glu (NM_001345962.2); short protein forms K272E, K381E.
Identifiers: ClinVar variation 3447328 (VCV003447328.1).